The following is an entry in ClinVar:

NM_012434.5(SLC17A5):c.819+1G>A

Gene: SLC17A5 (solute carrier family 17 member 5; minus strand). Cytogenetic location: 6q13.
Variant type: single nucleotide variant.
Coding change: c.819+1G>A on transcript NM_012434.5 (MANE Select); the canonical splice donor site of the intron after coding-DNA position 819, G replaced by A.
Molecular consequence: splice donor variant.
Genome position (GRCh38, 1-based): chr6:73,635,381, C>T on the plus strand (G>A on the coding strand, the complement: SLC17A5 is on the minus strand). VCF-style: chr6-73635381-C-T. GRCh37 (hg19) VCF-style: chr6-74345104-C-T.
Other names: c.819+1G>A (NM_001382630.1, NM_001382633.1, NM_001382634.1); c.840+1G>A (NM_001382631.1); c.501+1G>A (NM_001382636.1); c.588+1G>A (NM_001382629.1); c.732+1G>A (NM_001382632.1); c.816+1G>A (NM_001382635.1).
Identifiers: ClinVar variation 371127 (VCV000371127.52), dbSNP rs1057517028, ClinGen allele CA16041082.

ClinVar aggregate classification (germline): Pathogenic. Review status: criteria provided, multiple submitters, no conflicts (2 of 4 stars). 9 submissions from 9 submitters: Pathogenic (7). 2 of the submissions do not count toward it. Last evaluated 2025-08-05.

Conditions:
Intermediate severe Salla disease. Identifiers: Orphanet 309331, MedGen C5681076, MONDO:0017737.
Sialic acid storage disease, severe infantile type (ISSD). Also called: N-ACETYLNEURAMINIC ACID STORAGE DISEASE; NANA STORAGE DISEASE; SIALURIA, INFANTILE FORM; INFANTILE SIALIC ACID STORAGE DISORDER; Infantile Sialic Acid Storage Disease; Free sialic acid storage disease, infantile form. Identifiers: Orphanet 309324, Orphanet 834, MedGen C1096902, MONDO:0010027, OMIM 269920.
Salla disease (SD). Also called: Sialuria, Finnish type; N-acetylneuraminic acid (NANA) storage disease (NSD); Infantile sialic acid storage disorder (ISSD); Less Severe FSASD (Salla Disease). Identifiers: Orphanet 309334, Orphanet 834, MedGen C1096903, MONDO:0011449, OMIM 604369.

Allele frequency attached by ClinVar (database versions not stated): gnomAD exomes below 0.00001 and 0.00002; gnomAD 0.00001; TOPMed 0.00002.
gnomAD v4.1: 27 of 1,479,742 alleles (0.0018%); highest among the groups gnomAD compares: Non-Finnish European, 0.0025%; no homozygotes.

Submissions (9):

Natera, Inc.
Classification: Pathogenic for Salla disease. Last evaluated: 2025-08-05. Review status: criteria provided, single submitter. Criteria: Natera Variant Classification Schema (03/2026). Collection method: clinical testing. Allele origin: germline.
Comment: The c.819+1G>A variant in SLC17A5 is a canonical splice donor site variant predicted to affect pre-mRNA splicing, which may result in an abnormal transcript and altered protein product. This variant is expected to result in nonsense mediated decay, truncation, or a dysfunctional protein product. This variant is rare in the general population with a frequency below the threshold expected for the associated phenotype(s). This variant has been observed in one or more individuals affected with the associated recessive disease, as either homozygous or compound heterozygous with a second variant (PMID: 28662915). Given the available evidence, this variant is classified as Pathogenic.

Fulgent Genetics
Classification: Pathogenic for Sialic acid storage disease, severe infantile type; Salla disease. Last evaluated: 2024-06-04. Review status: criteria provided, single submitter. Criteria: ACMG Guidelines, 2015. Collection method: clinical testing. Allele origin: germline.

Labcorp Genetics (formerly Invitae), Labcorp
Classification: Pathogenic for Salla disease. Last evaluated: 2024-04-27. Review status: criteria provided, single submitter. Criteria: Invitae Variant Classification Sherloc (09022015). Collection method: clinical testing. Allele origin: germline.
Comment: This sequence change affects a donor splice site in intron 6 of the SLC17A5 gene. It is expected to disrupt RNA splicing. Variants that disrupt the donor or acceptor splice site typically lead to a loss of protein function (PMID: 16199547), and loss-of-function variants in SLC17A5 are known to be pathogenic (PMID: 10581036, 10947946, 15172001). This variant is present in population databases (no rsID available, gnomAD 0.007%). Disruption of this splice site has been observed in individual(s) with Salla disease (PMID: 28662915). In at least one individual the data is consistent with being in trans (on the opposite chromosome) from a pathogenic variant. ClinVar contains an entry for this variant (Variation ID: 371127). Algorithms developed to predict the effect of sequence changes on RNA splicing suggest that this variant may disrupt the consensus splice site. For these reasons, this variant has been classified as Pathogenic.

Baylor Genetics
Classification: Pathogenic for Salla disease. Last evaluated: 2024-01-16. Review status: criteria provided, single submitter. Criteria: ACMG Guidelines, 2015. Collection method: clinical testing. Allele origin: unknown.

Revvity Omics, Revvity
Classification: Pathogenic. Last evaluated: 2022-06-06. Review status: criteria provided, single submitter. Criteria: ACMG Guidelines, 2015. Collection method: clinical testing. Allele origin: germline.

Genome-Nilou Lab
Classification: Pathogenic for Salla disease. Last evaluated: 2021-09-05. Review status: criteria provided, single submitter. Criteria: ACMG Guidelines, 2015. Collection method: clinical testing. Allele origin: germline. Affected: no.

GeneDx
Classification: Pathogenic. Last evaluated: 2020-11-11. Review status: criteria provided, single submitter. Criteria: GeneDx Variant Classification Process June 2021. Collection method: clinical testing. Allele origin: germline. Affected: yes.
Comment: Canonical splice site variant predicted to result in a null allele in a gene for which loss-of-function is a known mechanism of disease; Not observed at a significant frequency in large population cohorts (Lek et al., 2016); Identified in a patient with clinical features consistent with SLC17A5-related disorder in published literature (Barmherzig et al., 2017; Lionel et al., 2018); This variant is associated with the following publications: (PMID: 28771251, 28662915)

Counsyl
Classification: Likely pathogenic for Salla disease. Last evaluated: 2016-07-06. Review status: no assertion criteria provided. Collection method: clinical testing. Allele origin: unknown. Not counted in ClinVar's aggregate classification.

MyeliNeuroGene Lab, McGill University Health Center Research Institute
Classification: Pathogenic for Intermediate-severe Salla disease. Review status: no assertion criteria provided. Collection method: clinical testing, in vitro. Allele origin: inherited, not applicable. Inheritance: Autosomal recessive inheritance. Affected: yes. Functional consequence: sequence_variant_affecting_splicing. Not counted in ClinVar's aggregate classification.
Comment: The c.819+1G>A variant in SLC17A5 has previously been reported in an individual with Intermediate-severe Salla disease (Barmherzig et al. 2017).

Literature cited by the submitters: PubMed 28662915 (cited by Natera, Inc. and Labcorp Genetics (formerly Invitae), Labcorp); PubMed 16199547 (cited by Labcorp Genetics (formerly Invitae), Labcorp); PubMed 10581036 (cited by Labcorp Genetics (formerly Invitae), Labcorp); PubMed 10947946 (cited by Labcorp Genetics (formerly Invitae), Labcorp); PubMed 15172001 (cited by Labcorp Genetics (formerly Invitae), Labcorp); DOI 10.1016/j.pediatrneurol.2017.05.022 (cited by MyeliNeuroGene Lab, McGill University Health Center Research Institute).